The following is an entry in ClinVar:

NM_033380.3(COL4A5):c.556G>C (p.Gly186Arg)

Gene: COL4A5 (collagen type IV alpha 5 chain; plus strand). Cytogenetic location: Xq22.3.
Variant type: single nucleotide variant.
Coding change: c.556G>C on transcript NM_033380.3 (MANE Select); coding-DNA position 556, G replaced by C.
Protein change: p.Gly186Arg; replaces glycine 186 with arginine.
Molecular consequence: missense variant.
Genome position (GRCh38, 1-based): chrX:108,575,919, G>C. VCF-style: chrX-108575919-G-C. GRCh37 (hg19) VCF-style: chrX-107819149-G-C.
Other names: c.556G>C, p.Gly186Arg (NM_000495.5); short protein forms G186R.
Identifiers: ClinVar variation 3349521 (VCV003349521.2).

ClinVar aggregate classification (germline): Pathogenic. Review status: criteria provided, single submitter (1 of 4 stars). 2 submissions from 2 submitters: Pathogenic (1). 1 of the submissions does not count toward it. Last evaluated 2024-03-01.

Conditions:
X-linked Alport syndrome (ATS1). Also called: COL4A5-Related Nephropathy; NEPHROPATHY AND DEAFNESS, X-LINKED. Identifiers: Orphanet 63, Orphanet 88917, MedGen C4746986, MONDO:0010520, OMIM 301050.
COL4A5-related disorder. Also called: COL4A5-related condition.

Submissions (2):

Fulgent Genetics
Classification: Pathogenic for X-linked Alport syndrome. Last evaluated: 2024-03-01. Review status: criteria provided, single submitter. Criteria: ACMG Guidelines, 2015. Collection method: clinical testing. Allele origin: germline.

PreventionGenetics, part of Exact Sciences
Classification: Likely pathogenic for COL4A5-related condition. Last evaluated: 2024-03-07. Review status: no assertion criteria provided. Collection method: clinical testing. Allele origin: germline. Not counted in ClinVar's aggregate classification.
Comment: The COL4A5 c.556G>C variant is predicted to result in the amino acid substitution p.Gly186Arg. The p.Gly186 residue resides in the triple-helical region (residues 42 – 1456) of the COL4A5 protein. The majority of pathogenic variants in COL4A5 substitute a glycine residue to a bulkier amino acid in the triple-helical domain (Hudson et al. 1993. PubMed ID: 8253711). Other amino acid substitutions at this position (p.Gly186Asp, p.Gly186Ser) have also been reported in individuals with COL4A5-related disorders (Sen et al 2017. PubMed ID: 28780565; Yamamura et al 2017. PubMed ID: 29270492). To our knowledge, this variant has not been reported in the literature or in a large population database, indicating this variant is rare. This variant is interpreted as likely pathogenic.